The following is an entry in ClinVar:

NM_001164508.2(NEB):c.3417G>T (p.Thr1139=)

Gene: NEB (nebulin; minus strand). Cytogenetic location: 2q23.3.
Variant type: single nucleotide variant.
Coding change: c.3417G>T on transcript NM_001164508.2 (MANE Select); coding-DNA position 3417, G replaced by T.
Protein change: p.Thr1139=; no amino-acid change (threonine 1139 retained).
Molecular consequence: synonymous variant.
Genome position (GRCh38, 1-based): chr2:151,678,026, C>A on the plus strand (G>T on the coding strand, the complement: NEB is on the minus strand). VCF-style: chr2-151678026-C-A. GRCh37 (hg19) VCF-style: chr2-152534540-C-A.
Other names: c.3417G>T, p.Thr1139= (NM_001164507.2, NM_001271208.2, NM_004543.5).
Identifiers: ClinVar variation 717176 (VCV000717176.14), dbSNP rs372593815, ClinGen allele CA1910913.
Genomic context (GRCh38, chr2:151,678,026, plus strand): 5'-GACATTGCTGACCACATCCTGGGCTTTCTTAGCCGCCACGACATTGAACATATCATGGGG[C>A]GTGTTGTATTTGGACTTTGTCTTCTCATAGTCTTTTTTATACTCCCGATCTGATTGTATC-3'
Protein context (NP_001157980.2, residues 1129-1149): DYEKTKSKYN[Thr1139=]PHDMFNVVAA

ClinVar aggregate classification (germline): Likely benign. Review status: criteria provided, multiple submitters, no conflicts (2 of 4 stars). 3 submissions from 3 submitters: Likely benign (2). 1 of the submissions does not count toward it. Last evaluated 2026-01-09.

Conditions:
Nemaline myopathy 2 (NEM2). Also called: Nemaline myopathy 2, autosomal recessive. Identifiers: MedGen C1850569, MONDO:0009725, OMIM 256030.
NEB-related disorder. Also called: NEB-related condition; NEB-Related Disorders.

Allele frequency attached by ClinVar (database versions not stated): TOPMed 0.00015; 1000 Genomes Project 30x 0.00016; ESP Exome Variant Server 0.00016; 1000 Genomes Project 0.00020.
gnomAD v4.1: 61 of 1,613,882 alleles (0.0038%); highest among the groups gnomAD compares: African/African-American, 0.072%; no homozygotes.

Submissions (3):

Labcorp Genetics (formerly Invitae), Labcorp
Classification: Likely benign for Nemaline myopathy 2. Last evaluated: 2026-01-09. Review status: criteria provided, single submitter. Criteria: Invitae Variant Classification Sherloc (09022015). Collection method: clinical testing. Allele origin: germline.

Women's Health and Genetics/Laboratory Corporation of America, LabCorp
Classification: Likely benign. Last evaluated: 2025-10-29. Review status: criteria provided, single submitter. Criteria: LabCorp Variant Classification Summary - May 2015. Collection method: clinical testing. Allele origin: germline.

PreventionGenetics, part of Exact Sciences
Classification: Likely benign for NEB-related condition. Last evaluated: 2019-08-29. Review status: no assertion criteria provided. Collection method: clinical testing. Allele origin: germline. Not counted in ClinVar's aggregate classification.
Comment: This variant is classified as likely benign based on ACMG/AMP sequence variant interpretation guidelines (Richards et al. 2015 PMID: 25741868, with internal and published modifications).